The following is an entry in ClinVar:

NM_002693.3(POLG):c.3030C>T (p.Leu1010=)

Gene: POLG (DNA polymerase gamma, catalytic subunit; minus strand). Cytogenetic location: 15q26.1.
Variant type: single nucleotide variant.
Coding change: c.3030C>T on transcript NM_002693.3 (MANE Select); coding-DNA position 3030, C replaced by T.
Protein change: p.Leu1010=; no amino-acid change (leucine 1010 retained).
Molecular consequence: synonymous variant.
Genome position (GRCh38, 1-based): chr15:89,319,302, G>A on the plus strand (C>T on the coding strand, the complement: POLG is on the minus strand). VCF-style: chr15-89319302-G-A. GRCh37 (hg19) VCF-style: chr15-89862533-G-A.
Other names: p.Leu1010=; c.3030C>T, p.Leu1010= (NM_001126131.2).
Identifiers: ClinVar variation 378416 (VCV000378416.13), dbSNP rs760607209, ClinGen allele CA7724266.

ClinVar aggregate classification (germline): Likely benign. Review status: criteria provided, multiple submitters, no conflicts (2 of 4 stars). 3 submissions from 3 submitters: Likely benign (3). Last evaluated 2025-12-02.

Conditions:
Progressive sclerosing poliodystrophy (MTDPS4A). Also called: ALPERS PROGRESSIVE INFANTILE POLIODYSTROPHY; NEURONAL DEGENERATION OF CHILDHOOD WITH LIVER DISEASE, PROGRESSIVE; Alpers-Huttenlocher Syndrome (AHS); Alpers Syndrome; Mitochondrial DNA Depletion Syndrome 4A; ALPERS DIFFUSE DEGENERATION OF CEREBRAL GRAY MATTER WITH HEPATIC CIRRHOSIS. Identifiers: Orphanet 726, MedGen C0205710, MONDO:0008758, OMIM 203700.

Allele frequency attached by ClinVar (database versions not stated): ExAC 0.00001; gnomAD exomes 0.00001 and 0.00004; gnomAD 0.00002; TOPMed 0.00002.
gnomAD v4.1: 65 of 1,614,030 alleles (0.004%); highest among the groups gnomAD compares: Non-Finnish European, 0.0052%; no homozygotes.

Submissions (3):

Labcorp Genetics (formerly Invitae), Labcorp
Classification: Likely benign for Progressive sclerosing poliodystrophy. Last evaluated: 2025-12-02. Review status: criteria provided, single submitter. Criteria: Invitae Variant Classification Sherloc (09022015). Collection method: clinical testing. Allele origin: germline.

Mayo Clinic Laboratories, Mayo Clinic
Classification: Likely benign. Last evaluated: 2025-06-26. Review status: criteria provided, single submitter. Criteria: ACMG Guidelines, 2015. Collection method: clinical testing. Allele origin: germline. Observed: 1 variant allele.
Comment: BP4, BP7

GeneDx
Classification: Likely benign. Last evaluated: 2020-01-07. Review status: criteria provided, single submitter. Criteria: GeneDx Variant Classification Process June 2021. Collection method: clinical testing. Allele origin: germline. Affected: yes.